The following is an entry in ClinVar:

ClinVar aggregate classification (germline): Uncertain significance (1 of 4 stars; one submission).

Submission:

Medical Genetic Center, Changzhi Maternal and Child Health Care Hospital
Classification: Uncertain significance. Last evaluated: 2025-12-10. Review status: criteria provided, single submitter. Criteria: ACMG/ClinGen CNV Guidelines, 2019. Collection method: clinical testing. Allele origin: unknown.
Comment: 1A, CAPN3 partial duplication (NM_000070.3, exon 1-4)

GRCh38/hg38 15q15.1(chr15:42243852-42388325)x3

Genes: CAPN3 (calpain 3; plus strand), GANC (glucosidase alpha, neutral C; plus strand), TMEM87A (transmembrane protein 87A; minus strand), LOC126862114 (MED14-independent group 3 enhancer GRCh37_chr15:42565593-42566792; plus strand), LOC126862115 (BRD4-independent group 4 enhancer GRCh37_chr15:42677734-42678933; plus strand) and 2 more. Cytogenetic location: 15q15.1.
Variant type: copy number gain.
Change: copy number 3 (three copies instead of two) of chr15:42,243,852-42,388,325 (144.5 kb, GRCh38 coordinates, 1-based), cytogenetic band 15q15.1.
Identifiers: ClinVar variation 4796327 (VCV004796327.1).